The following is an entry in ClinVar:

ClinVar aggregate classification (germline): Uncertain significance. Review status: criteria provided, multiple submitters, no conflicts (2 of 4 stars). 2 submissions from 2 submitters: Uncertain significance (2). Last evaluated 2025-09-09.

Conditions:
Inborn genetic diseases. Identifiers: MedGen C0950123, MeSH D030342.

gnomAD v4.1: 6 of 1,613,754 alleles (0.00037%); highest among the groups gnomAD compares: Non-Finnish European, 0.00051%; no homozygotes.

Submissions (2):

Dasa
Classification: Uncertain significance. Last evaluated: 2025-09-09. Review status: criteria provided, single submitter. Criteria: DASA Assertion Criteria. Collection method: clinical testing. Allele origin: germline.
Comment: NM_001162501.2(TNRC6B):c.684G>C (p.Lys228Asn) is a missense variant that results in the substitution of lysine with asparagine. This variant is rare in population databases. Computational prediction algorithms are consistent with a benign effect. The currently available literature and clinical evidence are not sufficient to establish a definitive association between this variant and the reported condition. Therefore, this variant is classified as a variant of uncertain significance.

Ambry Genetics
Classification: Uncertain significance for Inborn genetic diseases. Last evaluated: 2024-06-18. Review status: criteria provided, single submitter. Criteria: Ambry Variant Classification Scheme 2023. Collection method: clinical testing. Allele origin: germline.

NM_001162501.2(TNRC6B):c.684G>C (p.Lys228Asn)

Gene: TNRC6B (trinucleotide repeat containing adaptor 6B; plus strand). Cytogenetic location: 22q13.1.
Variant type: single nucleotide variant.
Coding change: c.684G>C on transcript NM_001162501.2 (MANE Select); coding-DNA position 684, G replaced by C.
Protein change: p.Lys228Asn; replaces lysine 228 with asparagine.
Molecular consequence: missense variant. On other transcripts: intron variant (1).
Genome position (GRCh38, 1-based): chr22:40,264,914, G>C. VCF-style: chr22-40264914-G-C. GRCh37 (hg19) VCF-style: chr22-40660918-G-C.
Other names: c.684G>C, p.Lys228Asn (NM_015088.3); c.565+2741G>C (NM_001024843.2); short protein forms K228N.
Identifiers: ClinVar variation 3327749 (VCV003327749.3).